The following is an entry in ClinVar:

ClinVar aggregate classification (germline): Uncertain significance (1 of 4 stars; one submission).

Conditions:
Epidermolysis bullosa simplex 3, localized or generalized intermediate, with BP230 deficiency (EBS3). Also called: Epidermolysis bullosa simplex, autosomal recessive 2; Epidermolysis bullosa simplex due to BP230 deficiency. Identifiers: Orphanet 412181, MedGen C3809470, MONDO:0014180, OMIM 615425.
Hereditary sensory and autonomic neuropathy type 6. Also called: Neuropathy, hereditary sensory and autonomic, type VI; HSAN VI. Identifiers: Orphanet 314381, MedGen C3539003, MONDO:0013839, OMIM 614653.

Submission:

Labcorp Genetics (formerly Invitae), Labcorp
Classification: Uncertain significance for Epidermolysis bullosa simplex 3, localized or generalized intermediate, with BP230 deficiency; Hereditary sensory and autonomic neuropathy type 6. Last evaluated: 2022-04-01. Review status: criteria provided, single submitter. Criteria: Invitae Variant Classification Sherloc (09022015). Collection method: clinical testing. Allele origin: germline.
Comment: The DST gene has multiple clinically relevant transcripts. This variant occurs in alternate transcript NM_015548.4, and corresponds to NM_001723.5:c.*59672del in the primary transcript. This sequence change falls in intron 40 of the DST gene. It does not directly change the encoded amino acid sequence of the DST protein. This variant is present in population databases (rs768297534, gnomAD 0.03%). This variant has not been reported in the literature in individuals affected with DST-related conditions. Experimental studies and prediction algorithms are not available or were not evaluated, and the effect of this variant on mRNA splicing is currently unknown. In summary, the available evidence is currently insufficient to determine the role of this variant in disease. Therefore, it has been classified as a Variant of Uncertain Significance.

NM_001374736.1(DST):c.14641-5del

Gene: DST (dystonin; minus strand). Cytogenetic location: 6p12.1.
Variant type: Deletion.
Coding change: c.14641-5del on transcript NM_001374736.1 (MANE Select); 5 bases into the intron before coding-DNA position 14641, one base deleted (C; older notation c.14641-5delC).
Molecular consequence: intron variant.
Genome position (GRCh38, 1-based): chr6:56,555,845, G deleted on the plus strand (C on the coding strand, the reverse complement: DST is on the minus strand); the first of 2 consecutive G bases (chr6:56,555,845-56,555,846); deleting either gives the same sequence. VCF-style (leftmost placement, unchanged base first): chr6-56555844-AG-A. GRCh37 (hg19) VCF-style: chr6-56420642-AG-A.
Other names: c.8284-5del (NM_001144769.5); c.14641-5del (NM_001374722.1); c.14668-5del (NM_001374734.1); c.7870-5del (NM_001144770.2); c.7750-5del (NM_001374730.1, NM_001386100.1, NM_183380.4); c.14008-5del (NM_001374729.1); c.6772-5del (NM_015548.5).
Identifiers: ClinVar variation 2163845 (VCV002163845.1), dbSNP rs768297534, ClinGen allele CA3867954.